The following is an entry in ClinVar:

NM_007120.3(UGT1A4):c.1425G>A (p.Leu475=)

Genes: UGT1A (UDP glucuronosyltransferase family 1 member A complex locus; plus strand), UGT1A1 (UDP glucuronosyltransferase family 1 member A1; plus strand), UGT1A10 (UDP glucuronosyltransferase family 1 member A10; plus strand), UGT1A3 (UDP glucuronosyltransferase family 1 member A3; plus strand), UGT1A4 (UDP glucuronosyltransferase family 1 member A4; plus strand) and 5 more. Cytogenetic location: 2q37.1.
Variant type: single nucleotide variant.
Coding change: c.1425G>A on transcript NM_007120.3 (MANE Select); coding-DNA position 1425, G replaced by A.
Protein change: p.Leu475=; no amino-acid change (leucine 475 retained).
Molecular consequence: synonymous variant.
Genome position (GRCh38, 1-based): chr2:233,772,379, G>A. VCF-style: chr2-233772379-G-A. GRCh37 (hg19) VCF-style: chr2-234681025-G-A.
Other names: c.1413G>A, p.Leu471= (NM_019075.4, NM_019076.5, NM_019077.3 and 1 more transcripts); c.1419G>A, p.Leu473= (NM_001072.4); c.618G>A, p.Leu206= (NM_205862.3); c.1425G>A, p.Leu475= (NM_019078.2, NM_019093.4); c.1422G>A, p.Leu474= (NM_000463.3).
Identifiers: ClinVar variation 3042221 (VCV003042221.2), dbSNP rs1255487594, ClinGen allele CA431862794.

ClinVar aggregate classification (germline): Likely benign (0 of 4 stars; one submission).

Conditions:
UGT1A4-related disorder. Also called: UGT1A4-related condition.

Allele frequency attached by ClinVar (database versions not stated): gnomAD exomes below 0.00001; gnomAD 0.00001.
gnomAD v4.1: 2 of 1,614,130 alleles (0.00012%); highest among the groups gnomAD compares: African/African-American, 0.0027%; no homozygotes.

Submission:

PreventionGenetics, part of Exact Sciences
Classification: Likely benign for UGT1A4-related condition. Last evaluated: 2019-05-20. Review status: no assertion criteria provided. Collection method: clinical testing. Allele origin: germline.
Comment: This variant is classified as likely benign based on ACMG/AMP sequence variant interpretation guidelines (Richards et al. 2015 PMID: 25741868, with internal and published modifications).